The following is an entry in ClinVar:

ClinVar aggregate classification (germline): Pathogenic. Review status: criteria provided, multiple submitters, no conflicts (2 of 4 stars). 2 submissions from 2 submitters: Pathogenic (2). Last evaluated 2024-12-05.
ClinVar aggregate classification (oncogenicity): Likely oncogenic (1 of 4 stars; one submission).

Conditions:
Neoplasm. Also called: Neoplasms; Neoplasm (disease); tumor. Identifiers: MedGen C0027651, MeSH D009369, MONDO:0005070, HP:0002664.

Submissions (3):

Center for Genomic Medicine, Rigshospitalet, Copenhagen University Hospital
Classification: Likely oncogenic for Neoplasm. Last evaluated: 2025-03-04. Review status: criteria provided, single submitter. Criteria: ClinGen/CGC/VICC Guidelines for Oncogenicity, 2022. Collection method: clinical testing. Allele origin: somatic. Affected: yes.

GeneDx
Classification: Pathogenic. Last evaluated: 2024-12-05. Review status: criteria provided, single submitter. Criteria: GeneDx Variant Classification Process June 2021. Collection method: clinical testing. Allele origin: germline. Affected: yes.
Comment: Frameshift variant predicted to result in protein truncation or nonsense mediated decay in a gene for which loss of function is a known mechanism of disease; Not observed at significant frequency in large population cohorts (gnomAD); This variant is associated with the following publications: (PMID: 16983642)

Athena Diagnostics
Classification: Pathogenic. Last evaluated: 2017-09-20. Review status: criteria provided, single submitter. Criteria: Athena Diagnostics Criteria. Collection method: clinical testing. Allele origin: germline.

Literature cited by the submitters: PubMed 19910496 (cited by Center for Genomic Medicine, Rigshospitalet, Copenhagen University Hospital).

NM_000268.4(NF2):c.461_479dup (p.Gly161fs)

Gene: NF2 (NF2, moesin-ezrin-radixin like (MERLIN) tumor suppressor; plus strand). Cytogenetic location: 22q12.2.
Variant type: Duplication.
Coding change: c.461_479dup on transcript NM_000268.4 (MANE Select); coding-DNA positions 461 to 479, 19 bases duplicated (ACCCCAGTGTTCACAAGCG).
Protein change: p.Gly161fs; shifts the reading frame from glycine 161.
Molecular consequence: frameshift variant. On other transcripts: non-coding transcript variant (1), intron variant (1).
Genome position (GRCh38, 1-based): chr22:29,654,670-29,654,688, ACCCCAGTGTTCACAAGCG duplicated; duplicating any 19 consecutive bases within chr22:29,654,668-29,654,688 gives the same sequence; the c. name uses the placement nearest the transcript's 3' end. VCF-style (leftmost placement, unchanged base first): chr22-29654667-A-ACGACCCCAGTGTTCACAAG. GRCh37 (hg19) VCF-style: chr22-30050656-A-ACGACCCCAGTGTTCACAAG.
Other names: c.461_479dup, p.Gly161fs (NM_016418.5, NM_181825.3, NM_181832.3); c.335_353dup, p.Gly119fs (NM_181828.3); c.338_356dup, p.Gly120fs (NM_181829.3); c.212_230dup, p.Gly78fs (NM_181830.3, NM_181831.3); c.447+12385_447+12403dup (NM_181833.3); c.461_479dup (NM_000268.3); short protein forms G119fs, G120fs, G78fs, G161fs.
Identifiers: ClinVar variation 586175 (VCV000586175.3), dbSNP rs1569293373, ClinGen allele CA891843606.